The following is an entry in ClinVar:

ClinVar aggregate classification (germline): Uncertain significance (1 of 4 stars; one submission).

Conditions:
Episodic ataxia type 2 (EA2). Also called: CEREBELLAR ATAXIA, PAROXYSMAL, ACETAZOLAMIDE-RESPONSIVE; CEREBELLOPATHY, HEREDITARY PAROXYSMAL; EPISODIC ATAXIA, NYSTAGMUS-ASSOCIATED; ACETAZOLAMIDE-RESPONSIVE HEREDITARY PAROXYSMAL CEREBELLAR ATAXIA; ATAXIA, EPISODIC, WITH NYSTAGMUS; ATAXIA, FAMILIAL PAROXYSMAL. Identifiers: Orphanet 97, MedGen C1720416, MONDO:0007163, OMIM 108500.
Developmental and epileptic encephalopathy, 42 (DEE42A). Also called: Epileptic encephalopathy, early infantile, 42; DEVELOPMENTAL AND EPILEPTIC ENCEPHALOPATHY 42A; EPILEPTIC ENCEPHALOPATHY, EARLY INFANTILE, 42A. Identifiers: MedGen C4310716, MONDO:0014917, OMIM 617106.

Submission:

Labcorp Genetics (formerly Invitae), Labcorp
Classification: Uncertain significance for Developmental and epileptic encephalopathy, 42; Episodic ataxia type 2. Last evaluated: 2023-04-22. Review status: criteria provided, single submitter. Criteria: Invitae Variant Classification Sherloc (09022015). Collection method: clinical testing. Allele origin: germline.
Comment: In summary, the available evidence is currently insufficient to determine the role of this variant in disease. Therefore, it has been classified as a Variant of Uncertain Significance. Advanced modeling of protein sequence and biophysical properties (such as structural, functional, and spatial information, amino acid conservation, physicochemical variation, residue mobility, and thermodynamic stability) performed at Invitae indicates that this missense variant is not expected to disrupt CACNA1A protein function. This variant has not been reported in the literature in individuals affected with CACNA1A-related conditions. This variant is not present in population databases (gnomAD no frequency). This sequence change replaces proline, which is neutral and non-polar, with leucine, which is neutral and non-polar, at codon 1173 of the CACNA1A protein (p.Pro1173Leu).

NM_001127222.2(CACNA1A):c.3515C>T (p.Pro1172Leu)

Gene: CACNA1A (calcium voltage-gated channel subunit alpha1 A; minus strand). Cytogenetic location: 19p13.13.
Variant type: single nucleotide variant.
Coding change: c.3515C>T on transcript NM_001127222.2 (MANE Select); coding-DNA position 3515, C replaced by T.
Protein change: p.Pro1172Leu; replaces proline 1172 with leucine.
Molecular consequence: missense variant.
Genome position (GRCh38, 1-based): chr19:13,286,541, G>A on the plus strand (C>T on the coding strand, the complement: CACNA1A is on the minus strand). VCF-style: chr19-13286541-G-A. GRCh37 (hg19) VCF-style: chr19-13397355-G-A.
Other names: c.3527C>T, p.Pro1176Leu (NM_000068.4, NM_023035.3); c.3518C>T, p.Pro1173Leu (NM_001127221.2, NM_001174080.2); short protein forms P1172L, P1176L, P1173L.
Identifiers: ClinVar variation 2946371 (VCV002946371.3), dbSNP rs16028, ClinGen allele CA305564022.